The following is an entry in ClinVar:

ClinVar aggregate classification (germline): Uncertain significance (1 of 4 stars; one submission).

Submission:

Labcorp Genetics (formerly Invitae), Labcorp
Classification: Uncertain significance. Last evaluated: 2025-01-01. Review status: criteria provided, single submitter. Criteria: Invitae Variant Classification Sherloc (09022015). Collection method: clinical testing. Allele origin: germline.
Comment: This sequence change replaces methionine, which is neutral and non-polar, with isoleucine, which is neutral and non-polar, at codon 1116 of the A2ML1 protein (p.Met1116Ile). This variant is not present in population databases (gnomAD no frequency). This variant has not been reported in the literature in individuals affected with A2ML1-related conditions. An algorithm developed to predict the effect of missense changes on protein structure and function (PolyPhen-2) suggests that this variant is likely to be tolerated. In summary, the available evidence is currently insufficient to determine the role of this variant in disease. Therefore, it has been classified as a Variant of Uncertain Significance.

NM_144670.6(A2ML1):c.3348G>T (p.Met1116Ile)

Gene: A2ML1 (alpha-2-macroglobulin like 1; plus strand). Cytogenetic location: 12p13.31.
Variant type: single nucleotide variant.
Coding change: c.3348G>T on transcript NM_144670.6 (MANE Select); coding-DNA position 3348, G replaced by T.
Protein change: p.Met1116Ile; replaces methionine 1116 with isoleucine.
Molecular consequence: missense variant.
Genome position (GRCh38, 1-based): chr12:8,861,143, G>T. VCF-style: chr12-8861143-G-T. GRCh37 (hg19) VCF-style: chr12-9013739-G-T.
Other names: c.1875G>T, p.Met625Ile (NM_001282424.3); short protein forms M625I, M1116I.
Identifiers: ClinVar variation 3728122 (VCV003728122.2).